The following is an entry in ClinVar:

ClinVar aggregate classification (germline): Conflicting classifications of pathogenicity. Review status: criteria provided, conflicting classifications (1 of 4 stars). 2 submissions from 2 submitters: Uncertain significance (1); Likely benign (1). Last evaluated 2025-10-11.

Conditions:
Hereditary cancer-predisposing syndrome. Also called: Tumor predisposition; Hereditary neoplastic syndrome; Hereditary Cancer Syndrome; Neoplastic Syndromes, Hereditary. Identifiers: Orphanet 140162, MedGen C0027672, MeSH D009386, MONDO:0015356.
Renal cell carcinoma. Identifiers: Orphanet 217071, MedGen C0007134, MeSH D002292, MONDO:0005086, HP:0005584.

Allele frequency attached by ClinVar (database versions not stated): ExAC 0.00001.

Submissions (2):

Ambry Genetics
Classification: Likely benign for Hereditary cancer-predisposing syndrome. Last evaluated: 2025-10-11. Review status: criteria provided, single submitter. Criteria: Ambry Variant Classification Scheme 2023. Collection method: clinical testing. Allele origin: germline.

Labcorp Genetics (formerly Invitae), Labcorp
Classification: Uncertain significance for Renal cell carcinoma. Last evaluated: 2022-07-07. Review status: criteria provided, single submitter. Criteria: Invitae Variant Classification Sherloc (09022015). Collection method: clinical testing. Allele origin: germline.
Comment: In summary, the available evidence is currently insufficient to determine the role of this variant in disease. Therefore, it has been classified as a Variant of Uncertain Significance. Algorithms developed to predict the effect of missense changes on protein structure and function output the following: SIFT: "Tolerated"; PolyPhen-2: "Benign"; Align-GVGD: "Class C0". The alanine amino acid residue is found in multiple mammalian species, which suggests that this missense change does not adversely affect protein function. This variant has not been reported in the literature in individuals affected with MET-related conditions. This variant is present in population databases (rs761727097, gnomAD 0.0009%). This sequence change replaces threonine, which is neutral and polar, with alanine, which is neutral and non-polar, at codon 647 of the MET protein (p.Thr647Ala).

NM_000245.4(MET):c.1939A>G (p.Thr647Ala)

Gene: MET (MET proto-oncogene, receptor tyrosine kinase; plus strand). Cytogenetic location: 7q31.2.
Variant type: single nucleotide variant.
Coding change: c.1939A>G on transcript NM_000245.4 (MANE Select); coding-DNA position 1939, A replaced by G.
Protein change: p.Thr647Ala; replaces threonine 647 with alanine.
Molecular consequence: missense variant.
Genome position (GRCh38, 1-based): chr7:116,757,513, A>G. VCF-style: chr7-116757513-A-G. GRCh37 (hg19) VCF-style: chr7-116397567-A-G.
Other names: c.1939A>G, p.Thr647Ala (NM_001127500.3, NM_001324401.3); c.649A>G, p.Thr217Ala (NM_001324402.2); short protein forms T647A, T217A.
Identifiers: ClinVar variation 2148625 (VCV002148625.5), dbSNP rs761727097, ClinGen allele CA4448327.